The following is an entry in ClinVar:

ClinVar aggregate classification (germline): Likely benign. Review status: criteria provided, multiple submitters, no conflicts (2 of 4 stars). 3 submissions from 3 submitters: Likely benign (2). 1 of the submissions does not count toward it. Last evaluated 2025-12-22.

Conditions:
Rhizomelic chondrodysplasia punctata type 2 (RCDP2). Also called: DIHYDROXYACETONEPHOSPHATE ACYLTRANSFERASE DEFICIENCY; PEROXISOMAL DIHYDROXYACETONEPHOSPHATE ACYLTRANSFERASE DEFICIENCY; Chondrodysplasia punctata, rhizomelic, due to dihydroxyacetonephosphate acyltransferase deficiency; DHAPAT DEFICIENCY; Glyceronephosphate O-acyltransferase deficiency; glyceronephosphate O-acyltransferase (GNPAT) deficiency. Identifiers: Orphanet 177, Orphanet 309796, MedGen C1857242, MONDO:0100273, OMIM 222765. Disease mechanism: loss of function.
GNPAT-related disorder. Also called: GNPAT-related condition.

Allele frequency attached by ClinVar (database versions not stated): TOPMed 0.00005; gnomAD 0.00006; ExAC 0.00007.

Submissions (3):

Labcorp Genetics (formerly Invitae), Labcorp
Classification: Likely benign. Last evaluated: 2025-12-22. Review status: criteria provided, single submitter. Criteria: Invitae Variant Classification Sherloc (09022015). Collection method: clinical testing. Allele origin: germline.

ARUP Laboratories, Molecular Genetics and Genomics, ARUP Laboratories
Classification: Likely benign for Rhizomelic chondrodysplasia punctata type 2. Last evaluated: 2024-07-16. Review status: criteria provided, single submitter. Criteria: ARUP Molecular Germline Variant Investigation Process 2024. Collection method: clinical testing. Allele origin: germline.

PreventionGenetics, part of Exact Sciences
Classification: Likely benign for GNPAT-related condition. Last evaluated: 2019-09-12. Review status: no assertion criteria provided. Collection method: clinical testing. Allele origin: germline. Not counted in ClinVar's aggregate classification.
Comment: This variant is classified as likely benign based on ACMG/AMP sequence variant interpretation guidelines (Richards et al. 2015 PMID: 25741868, with internal and published modifications).

NM_014236.4(GNPAT):c.1937+9T>A

Gene: GNPAT (glyceronephosphate O-acyltransferase; plus strand). Cytogenetic location: 1q42.2.
Variant type: single nucleotide variant.
Coding change: c.1937+9T>A on transcript NM_014236.4 (MANE Select); 9 bases into the intron after coding-DNA position 1937, T replaced by A.
Molecular consequence: intron variant.
Genome position (GRCh38, 1-based): chr1:231,275,507, T>A. VCF-style: chr1-231275507-T-A. GRCh37 (hg19) VCF-style: chr1-231411253-T-A.
Other names: c.1754+9T>A (NM_001316350.2); c.1937+9T>A (NM_014236.3).
Identifiers: ClinVar variation 2074039 (VCV002074039.7), dbSNP rs201187489, ClinGen allele CA1452167.